The following is an entry in ClinVar:

NM_021956.5(GRIK2):c.2324G>A (p.Arg775Gln)

Gene: GRIK2 (glutamate ionotropic receptor kainate type subunit 2; plus strand). Cytogenetic location: 6q16.3.
Variant type: single nucleotide variant.
Coding change: c.2324G>A on transcript NM_021956.5 (MANE Select); coding-DNA position 2324, G replaced by A.
Protein change: p.Arg775Gln; replaces arginine 775 with glutamine.
Molecular consequence: missense variant.
Genome position (GRCh38, 1-based): chr6:102,055,342, G>A. VCF-style: chr6-102055342-G-A. GRCh37 (hg19) VCF-style: chr6-102503217-G-A.
Other names: c.2324G>A, p.Arg775Gln (NM_001166247.1, NM_175768.3); c.2324G>A (NM_021956.4); short protein forms R775Q.
Identifiers: ClinVar variation 1810690 (VCV001810690.3), dbSNP rs771884562, ClinGen allele CA3939806.
Genomic context (GRCh38, chr6:102,055,342, plus strand): 5'-GAAATTTCAGGTTCCTTGAAATACTTAACATAACCTCTCCTTTCTTAGGTTCTCCATATC[G>A]AGACAAAATTACCATAGCAATTCTTCAGCTGCAAGAGGAAGGCAAACTGCATATGATGAA-3'
Protein context (NP_068775.1, residues 765-785): GVGTPMGSPY[Arg775Gln]DKITIAILQL

ClinVar aggregate classification (germline): Uncertain significance. Review status: criteria provided, multiple submitters, no conflicts (2 of 4 stars). 2 submissions from 2 submitters: Uncertain significance (2). Last evaluated 2023-06-28.

Conditions:
Inborn genetic diseases. Identifiers: MedGen C0950123, MeSH D030342.

Allele frequency attached by ClinVar (database versions not stated): gnomAD exomes below 0.00001; ExAC 0.00001; TOPMed 0.00001.
gnomAD v4.1: 3 of 1,609,848 alleles (0.00019%); highest among the groups gnomAD compares: South Asian, 0.0022%; no homozygotes.

Submissions (2):

Ambry Genetics
Classification: Uncertain significance for Inborn genetic diseases. Last evaluated: 2023-06-28. Review status: criteria provided, single submitter. Criteria: Ambry Variant Classification Scheme 2023. Collection method: clinical testing. Allele origin: germline.

GeneDx
Classification: Uncertain significance. Last evaluated: 2022-07-06. Review status: criteria provided, single submitter. Criteria: GeneDx Variant Classification Process June 2021. Collection method: clinical testing. Allele origin: germline. Affected: yes.
Comment: In silico analysis supports that this missense variant has a deleterious effect on protein structure/function; Has not been previously published as pathogenic or benign to our knowledge